The following is an entry in ClinVar:

ClinVar aggregate classification (germline): Likely benign (1 of 4 stars; one submission).

Conditions:
NYX-related disorder. Also called: NYX-related condition.

gnomAD v4.1: 4 of 1,124,892 alleles (0.00036%); highest among the groups gnomAD compares: South Asian, 0.004%; no homozygotes.

Submission:

PreventionGenetics, part of Exact Sciences
Classification: Likely benign for NYX-related condition. Last evaluated: 2024-12-02. Review status: criteria provided, single submitter. Criteria: ACMG Guidelines, 2015. Collection method: clinical testing. Allele origin: germline.
Comment: This variant is classified as likely benign based on ACMG/AMP sequence variant interpretation guidelines (Richards et al. 2015 PMID: 25741868, with internal and published modifications).

NM_001378477.3(NYX):c.438C>G (p.Pro146=)

Gene: NYX (nyctalopin; plus strand). Cytogenetic location: Xp11.4.
Variant type: single nucleotide variant.
Coding change: c.438C>G on transcript NM_001378477.3 (MANE Select); coding-DNA position 438, C replaced by G.
Protein change: p.Pro146=; no amino-acid change (proline 146 retained).
Molecular consequence: synonymous variant.
Genome position (GRCh38, 1-based): chrX:41,473,906, C>G. VCF-style: chrX-41473906-C-G. GRCh37 (hg19) VCF-style: chrX-41333159-C-G.
Other names: c.438C>G, p.Pro146= (NM_022567.3).
Identifiers: ClinVar variation 4979704 (VCV004979704.1).